The following is an entry in ClinVar:

ClinVar aggregate classification (germline): Uncertain significance (1 of 4 stars; one submission).

Conditions:
Alport syndrome. Also called: Hemorrhagic familial nephritis; Hemorrhagic hereditary nephritis; Congenital hereditary hematuria. Identifiers: Orphanet 63, MedGen C1567741, MONDO:0018965.

Submission:

Myriad Genetics, Inc.
Classification: Uncertain significance for Alport syndrome. Last evaluated: 2026-02-10. Review status: criteria provided, single submitter. Criteria: Myriad Autosomal Dominant, Autosomal Recessive and X-Linked Classification Criteria (2023). Collection method: clinical testing. Allele origin: unknown.
Comment: NM_000091.4(COL4A3):c.146G>A(G49E) is a missense variant classified as a variant of uncertain significance in the context of Alport syndrome, COL4A3-related. G49E has not been observed in cases with relevant disease. Relevant functional assessments of this variant are not available in the literature. G49E has not been observed in referenced population frequency databases. In summary, there is insufficient evidence to classify NM_000091.4(COL4A3):c.146G>A(G49E) as pathogenic or benign. Please note: this variant was assessed in the context of healthy population screening.

NM_000091.5(COL4A3):c.146G>A (p.Gly49Glu)

Genes: COL4A3 (collagen type IV alpha 3 chain; plus strand), MFF-DT (MFF divergent transcript; minus strand). Cytogenetic location: 2q36.3.
Variant type: single nucleotide variant.
Coding change: c.146G>A on transcript NM_000091.5 (MANE Select); coding-DNA position 146, G replaced by A.
Protein change: p.Gly49Glu; replaces glycine 49 with glutamic acid.
Molecular consequence: missense variant.
Genome position (GRCh38, 1-based): chr2:227,240,144, G>A. VCF-style: chr2-227240144-G-A. GRCh37 (hg19) VCF-style: chr2-228104860-G-A.
Other names: short protein forms G49E.
Identifiers: ClinVar variation 5003553 (VCV005003553.1).